The following is an entry in ClinVar:

NM_152641.4(ARID2):c.2887A>C (p.Thr963Pro)

Gene: ARID2 (AT-rich interaction domain 2; plus strand). Cytogenetic location: 12q12.
Variant type: single nucleotide variant.
Coding change: c.2887A>C on transcript NM_152641.4 (MANE Select); coding-DNA position 2887, A replaced by C.
Protein change: p.Thr963Pro; replaces threonine 963 with proline.
Molecular consequence: missense variant.
Genome position (GRCh38, 1-based): chr12:45,851,010, A>C. VCF-style: chr12-45851010-A-C. GRCh37 (hg19) VCF-style: chr12-46244793-A-C.
Other names: c.2887A>C, p.Thr963Pro (NM_001347839.2); short protein forms T963P.
Identifiers: ClinVar variation 1314847 (VCV001314847.2), dbSNP rs768982341, ClinGen allele CA236399399.

ClinVar aggregate classification (germline): Uncertain significance (1 of 4 stars; one submission).

gnomAD v4.1: 1 of 1,614,156 alleles (0.000062%); highest among the groups gnomAD compares: Non-Finnish European, 0.000085%; no homozygotes.

Submission:

GeneDx
Classification: Uncertain significance. Last evaluated: 2021-04-21. Review status: criteria provided, single submitter. Criteria: GeneDx Variant Classification Process June 2021. Collection method: clinical testing. Allele origin: germline. Affected: yes.
Comment: Not observed in large population cohorts (Lek et al., 2016); In silico analysis supports that this missense variant does not alter protein structure/function; Has not been previously published as pathogenic or benign to our knowledge